The following is an entry in ClinVar:

NM_001126128.2(PROK2):c.-4C>A

Gene: PROK2 (prokineticin 2; minus strand). Cytogenetic location: 3p13.
Variant type: single nucleotide variant.
Coding change: c.-4C>A on transcript NM_001126128.2 (MANE Select); 4 bases upstream of the start codon, C replaced by A.
Molecular consequence: 5 prime UTR variant.
Genome position (GRCh38, 1-based): chr3:71,785,056, G>T on the plus strand (C>A on the coding strand, the complement: PROK2 is on the minus strand). VCF-style: chr3-71785056-G-T. GRCh37 (hg19) VCF-style: chr3-71834207-G-T.
Other names: c.-4C>A (NM_021935.4, NM_001126128.1).
Identifiers: ClinVar variation 801987 (VCV000801987.6), dbSNP rs552496938, ClinGen allele CA2492028.

ClinVar aggregate classification (germline): Conflicting classifications of pathogenicity. Review status: criteria provided, conflicting classifications (1 of 4 stars). 4 submissions from 4 submitters: Uncertain significance (1); Benign (2). 1 of the submissions does not count toward it. Last evaluated 2024-03-04.

Conditions:
Hypogonadotropic hypogonadism 4 with or without anosmia (HH4). Also called: PROK2-Related GnRH Deficiency (Kallmann Syndrome 4); HYPOGONADOTROPIC HYPOGONADISM 4 WITH ANOSMIA; KAL4. Identifiers: Orphanet 478, MedGen C3552343, MONDO:0012528, OMIM 610628.
PROK2-related disorder. Also called: PROK2-related condition.

Allele frequency attached by ClinVar (database versions not stated): gnomAD exomes 0.00005 and 0.00023; TOPMed 0.00066; gnomAD 0.00068 and 0.00073; 1000 Genomes Project 0.00080; 1000 Genomes Project 30x 0.00125; ExAC 0.00256.
gnomAD v4.1: 166 of 1,237,522 alleles (0.013%); highest among the groups gnomAD compares: African/African-American, 0.24%; no homozygotes.

Submissions (4):

GeneDx
Classification: Uncertain significance. Last evaluated: 2024-03-04. Review status: criteria provided, single submitter. Criteria: GeneDx Variant Classification Process June 2021. Collection method: clinical testing. Allele origin: germline. Affected: yes.
Comment: Identified in the heterozygous state in an individual with Kallmann syndrome in published literature (PMID: 17054399); This variant is associated with the following publications: (PMID: 17054399)

Women's Health and Genetics/Laboratory Corporation of America, LabCorp
Classification: Benign. Last evaluated: 2024-02-29. Review status: criteria provided, single submitter. Criteria: LabCorp Variant Classification Summary - May 2015. Collection method: clinical testing. Allele origin: germline.
Comment: Variant summary: PROK2 c.-4C>A is located in the untranslated mRNA region upstream of the initiation codon. The variant allele was found at a frequency of 0.00013 in 1237522 control chromosomes, predominantly at a frequency of 0.0024 within the African or African-American subpopulation in the gnomAD database. c.-4C>A has been reported in the literature in at-least one individual affected with Kallmann syndrome without strong evidence for causality (example: Dode_2006). This report does not provide unequivocal conclusions about association of the variant with Hypogonadotropic Hypogonadism 4 With Or Without Anosmia. To our knowledge, no experimental evidence demonstrating an impact on protein function has been reported. The following publication has been ascertained in the context of this evaluation (PMID: 17054399). ClinVar contains an entry for this variant (Variation ID: 801987). Based on the evidence outlined above, the variant was classified as benign.

Mendelics
Classification: Benign for Hypogonadotropic hypogonadism 4 with or without anosmia. Last evaluated: 2019-05-28. Review status: criteria provided, single submitter. Criteria: Mendelics Assertion Criteria 2017. Collection method: clinical testing. Allele origin: unknown.

PreventionGenetics, part of Exact Sciences
Classification: Likely benign for PROK2-related condition. Last evaluated: 2021-08-09. Review status: no assertion criteria provided. Collection method: clinical testing. Allele origin: germline. Not counted in ClinVar's aggregate classification.
Comment: This variant is classified as likely benign based on ACMG/AMP sequence variant interpretation guidelines (Richards et al. 2015 PMID: 25741868, with internal and published modifications).

Literature cited by the submitters: PubMed 17054399 (cited by Women's Health and Genetics/Laboratory Corporation of America, LabCorp).